The following is an entry in ClinVar:

ClinVar aggregate classification (germline): Likely benign (1 of 4 stars; one submission).

Conditions:
Sessile serrated polyposis cancer syndrome (SSPCS). Identifiers: Orphanet 157798, MedGen C4310714, MONDO:0014919, OMIM 617108.

Submission:

Myriad Genetics, Inc.
Classification: Likely benign for Sessile serrated polyposis cancer syndrome. Last evaluated: 2026-06-26. Review status: criteria provided, single submitter. Criteria: Myriad Autosomal Dominant, Autosomal Recessive and X-Linked Classification Criteria (2023). Collection method: clinical testing. Allele origin: unknown.
Comment: This variant is considered likely benign. This variant is intronic and is not expected to impact mRNA splicing.

NM_017763.6(RNF43):c.376-9C>T

Gene: RNF43 (ring finger protein 43; minus strand). Cytogenetic location: 17q22.
Variant type: single nucleotide variant.
Coding change: c.376-9C>T on transcript NM_017763.6 (MANE Select); 9 bases into the intron before coding-DNA position 376, C replaced by T.
Molecular consequence: intron variant.
Genome position (GRCh38, 1-based): chr17:58,363,609, G>A on the plus strand (C>T on the coding strand, the complement: RNF43 is on the minus strand). VCF-style: chr17-58363609-G-A. GRCh37 (hg19) VCF-style: chr17-56440970-G-A.
Other names: c.376-9C>T (NM_001438822.1, NM_001305544.3, NM_001438820.1 and 1 more transcripts); c.-6-9C>T (NM_001305545.2, NM_001437987.1).
Identifiers: ClinVar variation 4875736 (VCV004875736.1).